The following is an entry in ClinVar:

ClinVar aggregate classification (germline): Uncertain significance (1 of 4 stars; one submission).

Allele frequency attached by ClinVar (database versions not stated): gnomAD exomes below 0.00001; TOPMed 0.00001.
gnomAD v4.1: 4 of 1,612,668 alleles (0.00025%); highest among the groups gnomAD compares: Non-Finnish European, 0.00034%; no homozygotes.

Submission:

Labcorp Genetics (formerly Invitae), Labcorp
Classification: Uncertain significance. Last evaluated: 2023-12-23. Review status: criteria provided, single submitter. Criteria: Invitae Variant Classification Sherloc (09022015). Collection method: clinical testing. Allele origin: germline.
Comment: This sequence change creates a premature translational stop signal (p.Arg237*) in the PDE4D gene. It is expected to result in an absent or disrupted protein product. However, the current clinical and genetic evidence is not sufficient to establish whether loss-of-function variants in PDE4D cause disease. This variant is not present in population databases (gnomAD no frequency). This variant has not been reported in the literature in individuals affected with PDE4D-related conditions. In summary, the available evidence is currently insufficient to determine the role of this variant in disease. Therefore, it has been classified as a Variant of Uncertain Significance.

NM_001104631.2(PDE4D):c.709C>T (p.Arg237Ter)

Gene: PDE4D (phosphodiesterase 4D; minus strand). Cytogenetic location: 5q11.2.
Variant type: single nucleotide variant.
Coding change: c.709C>T on transcript NM_001104631.2 (MANE Select); coding-DNA position 709, C replaced by T.
Protein change: p.Arg237Ter; replaces arginine 237 with a stop codon.
Molecular consequence: nonsense. On other transcripts: 5 prime UTR variant (1), intron variant (2).
Genome position (GRCh38, 1-based): chr5:59,185,238, G>A on the plus strand (C>T on the coding strand, the complement: PDE4D is on the minus strand). VCF-style: chr5-59185238-G-A. GRCh37 (hg19) VCF-style: chr5-58481064-G-A.
Other names: c.526C>T, p.Arg176Ter (NM_001165899.2, NM_001364599.1, NM_001364600.2); c.517C>T, p.Arg173Ter (NM_001197218.2, NM_001364602.2); c.343C>T, p.Arg115Ter (NM_001197219.2); c.319C>T, p.Arg107Ter (NM_001197220.2); c.496C>T, p.Arg166Ter (NM_001349241.2); c.379C>T, p.Arg127Ter (NM_001349242.2); c.-242C>T (NM_001364603.1); c.301C>T, p.Arg101Ter (NM_006203.5); and 1 more; short protein forms R107*, R127*, R166*, R176*, R237*, R101*, R115*, R173*.
Identifiers: ClinVar variation 2793394 (VCV002793394.3), dbSNP rs1742623635, ClinGen allele CA359930407.
Genomic context (GRCh38, chr5:59,185,238, plus strand): 5'-GGATATCTTACTTGCTAGGTGCTCGATCTTGCAAATTAGTTAATGCAGCAAAGTTGTTTC[G>A]TACAGTTCGCAGACTGGCCAAGACCTACAACAAGAAAGGATTCTTGAAACTTCTTGAGCT-3'